The following is an entry in ClinVar:

ClinVar aggregate classification (germline): Uncertain significance. Review status: criteria provided, multiple submitters, no conflicts (2 of 4 stars). 2 submissions from 2 submitters: Uncertain significance (2). Last evaluated 2024-06-07.

Allele frequency attached by ClinVar (database versions not stated): gnomAD exomes 0.00002 and 0.00004; TOPMed 0.00003; ExAC 0.00004; gnomAD 0.00004; ESP Exome Variant Server 0.00015.

Submissions (2):

Blueprint Genetics
Classification: Uncertain significance. Last evaluated: 2024-06-07. Review status: criteria provided, single submitter. Criteria: ACMG Guidelines, 2015. Collection method: clinical testing. Allele origin: germline.

Labcorp Genetics (formerly Invitae), Labcorp
Classification: Uncertain significance. Last evaluated: 2023-07-03. Review status: criteria provided, single submitter. Criteria: Invitae Variant Classification Sherloc (09022015). Collection method: clinical testing. Allele origin: germline.
Comment: This variant is present in population databases (rs370412696, gnomAD 0.009%). In summary, the available evidence is currently insufficient to determine the role of this variant in disease. Therefore, it has been classified as a Variant of Uncertain Significance. Algorithms developed to predict the effect of missense changes on protein structure and function output the following: SIFT: "Not Available"; PolyPhen-2: "Benign"; Align-GVGD: "Not Available". The leucine amino acid residue is found in multiple mammalian species, which suggests that this missense change does not adversely affect protein function. ClinVar contains an entry for this variant (Variation ID: 1009054). This variant has not been reported in the literature in individuals affected with ARHGEF18-related conditions. This sequence change replaces proline, which is neutral and non-polar, with leucine, which is neutral and non-polar, at codon 761 of the ARHGEF18 protein (p.Pro761Leu).

NM_001367823.1(ARHGEF18):c.2846C>T (p.Pro949Leu)

Gene: ARHGEF18 (Rho/Rac guanine nucleotide exchange factor 18; plus strand). Cytogenetic location: 19p13.2.
Variant type: single nucleotide variant.
Coding change: c.2846C>T on transcript NM_001367823.1 (MANE Select); coding-DNA position 2846, C replaced by T.
Protein change: p.Pro949Leu; replaces proline 949 with leucine.
Molecular consequence: missense variant.
Genome position (GRCh38, 1-based): chr19:7,464,632, C>T. VCF-style: chr19-7464632-C-T. GRCh37 (hg19) VCF-style: chr19-7529518-C-T.
Other names: c.2120C>T, p.Pro707Leu (NM_001130955.2); c.1808C>T, p.Pro603Leu (NM_001367824.1, NM_015318.4); short protein forms P603L, P707L, P949L.
Identifiers: ClinVar variation 1009054 (VCV001009054.5), dbSNP rs370412696, ClinGen allele CA9137000.